The following is an entry in ClinVar:

ClinVar aggregate classification (germline): Pathogenic (1 of 4 stars; one submission).

Submission:

Labcorp Genetics (formerly Invitae), Labcorp
Classification: Pathogenic. Last evaluated: 2016-11-02. Review status: criteria provided, single submitter. Criteria: Invitae Variant Classification Sherloc (09022015). Collection method: clinical testing. Allele origin: germline.
Comment: This sequence change creates a premature translational stop signal at codon 51 (p.Trp51*) of the SMARCB1 gene. It is expected to result in an absent or disrupted protein product. Loss-of-function variants in SMARCB1 are known to be pathogenic. This particular variant has been reported in an individual with an atypical teratoid/rhabdoid tumor (PMID: 9892189). For these reasons, this variant has been classified as Pathogenic.

Literature cited by the submitters: PubMed 9892189.

NM_003073.5(SMARCB1):c.152G>A (p.Trp51Ter)

Gene: SMARCB1 (SWI/SNF related BAF chromatin remodeling complex subunit B1; plus strand). Cytogenetic location: 22q11.23.
Variant type: single nucleotide variant.
Coding change: c.152G>A on transcript NM_003073.5 (MANE Select); coding-DNA position 152, G replaced by A.
Protein change: p.Trp51Ter; replaces tryptophan 51 with a stop codon.
Molecular consequence: nonsense.
Genome position (GRCh38, 1-based): chr22:23,791,814, G>A. VCF-style: chr22-23791814-G-A. GRCh37 (hg19) VCF-style: chr22-24134001-G-A.
Other names: c.152G>A (LRG_520t1); c.152G>A, p.Trp51Ter (NM_001007468.3, NM_001317946.2, NM_001362877.2); short protein forms W51*.
Identifiers: ClinVar variation 410703 (VCV000410703.10), dbSNP rs1060503016, ClinGen allele CA16616558.